The following is an entry in ClinVar:

ClinVar aggregate classification (germline): Uncertain significance (1 of 4 stars; one submission).

Conditions:
Hereditary breast ovarian cancer syndrome. Also called: Hereditary breast and ovarian cancer syndrome; Hereditary breast and ovarian cancer syndrome (HBOC); BRCA1- and BRCA2-Associated Hereditary Breast and Ovarian Cancer; Hereditary breast and ovarian cancer; Breast and ovarian cancer; Hereditary breast and/or ovarian cancer syndrome. Identifiers: Orphanet 145, MedGen C0677776, MeSH D061325, MONDO:0003582. Disease mechanism: loss of function.

Submission:

Labcorp Genetics (formerly Invitae), Labcorp
Classification: Uncertain significance for Hereditary breast ovarian cancer syndrome. Last evaluated: 2024-10-31. Review status: criteria provided, single submitter. Criteria: Invitae Variant Classification Sherloc (09022015). Collection method: clinical testing. Allele origin: germline.
Comment: This sequence change replaces histidine, which is basic and polar, with tyrosine, which is neutral and polar, at codon 285 of the BRCA1 protein (p.His285Tyr). This variant is not present in population databases (gnomAD no frequency). This variant has not been reported in the literature in individuals affected with BRCA1-related conditions. Invitae Evidence Modeling of protein sequence and biophysical properties (such as structural, functional, and spatial information, amino acid conservation, physicochemical variation, residue mobility, and thermodynamic stability) indicates that this missense variant is expected to disrupt BRCA1 protein function with a positive predictive value of 80%. In summary, the available evidence is currently insufficient to determine the role of this variant in disease. Therefore, it has been classified as a Variant of Uncertain Significance.

NM_007294.4(BRCA1):c.853C>T (p.His285Tyr)

Gene: BRCA1 (BRCA1 DNA repair associated; minus strand). Cytogenetic location: 17q21.31.
Variant type: single nucleotide variant.
Coding change: c.853C>T on transcript NM_007294.4 (MANE Select); coding-DNA position 853, C replaced by T.
Protein change: p.His285Tyr; replaces histidine 285 with tyrosine.
Molecular consequence: missense variant. On other transcripts: 5 prime UTR variant (2), intron variant (137).
Genome position (GRCh38, 1-based): chr17:43,094,678, G>A on the plus strand (C>T on the coding strand, the complement: BRCA1 is on the minus strand). VCF-style: chr17-43094678-G-A. GRCh37 (hg19) VCF-style: chr17-41246695-G-A.
Other names: c.775C>T, p.His259Tyr (NM_001407655.1, NM_001407656.1, NM_001407657.1 and 4 more transcripts); c.772C>T, p.His258Tyr (NM_001407659.1, NM_001407660.1, NM_001407662.1 and 1 more transcripts); c.730C>T, p.His244Tyr (NM_001407664.1, NM_001407665.1, NM_001407669.1 and 19 more transcripts); c.727C>T, p.His243Tyr (NM_001407670.1, NM_001407671.1, NM_001407649.1 and 11 more transcripts); c.853C>T, p.His285Tyr (NM_001407594.1, NM_001407596.1, NM_001407597.1 and 30 more transcripts); c.850C>T, p.His284Tyr (NM_001407610.1, NM_001407611.1, NM_001407612.1 and 22 more transcripts); c.844C>T, p.His282Tyr (NM_001407646.1, NM_001407647.1); c.712C>T, p.His238Tyr (NM_001407692.1, NM_001407694.1, NM_001407695.1 and 29 more transcripts); and 40 more; short protein forms H157Y, H174Y, H218Y, H243Y, H282Y, H196Y, H197Y, H237Y.
Identifiers: ClinVar variation 3634701 (VCV003634701.2).